The following is an entry in ClinVar:

ClinVar aggregate classification (germline): Uncertain significance (1 of 4 stars; one submission).

Allele frequency attached by ClinVar (database versions not stated): gnomAD exomes below 0.00001.

Submission:

Labcorp Genetics (formerly Invitae), Labcorp
Classification: Uncertain significance. Last evaluated: 2023-06-29. Review status: criteria provided, single submitter. Criteria: Invitae Variant Classification Sherloc (09022015). Collection method: clinical testing. Allele origin: germline.
Comment: In summary, the available evidence is currently insufficient to determine the role of this variant in disease. Therefore, it has been classified as a Variant of Uncertain Significance. Algorithms developed to predict the effect of sequence changes on RNA splicing suggest that this variant may disrupt the consensus splice site. Advanced modeling of protein sequence and biophysical properties (such as structural, functional, and spatial information, amino acid conservation, physicochemical variation, residue mobility, and thermodynamic stability) performed at Invitae indicates that this missense variant is not expected to disrupt COL4A1 protein function. ClinVar contains an entry for this variant (Variation ID: 2190111). This variant has not been reported in the literature in individuals affected with COL4A1-related conditions. This variant is not present in population databases (gnomAD no frequency). This sequence change replaces glutamic acid, which is acidic and polar, with lysine, which is basic and polar, at codon 324 of the COL4A1 protein (p.Glu324Lys).

NM_001845.6(COL4A1):c.970G>A (p.Glu324Lys)

Gene: COL4A1 (collagen type IV alpha 1 chain; minus strand). Cytogenetic location: 13q34.
Variant type: single nucleotide variant.
Coding change: c.970G>A on transcript NM_001845.6 (MANE Select); coding-DNA position 970, G replaced by A.
Protein change: p.Glu324Lys; replaces glutamic acid 324 with lysine.
Molecular consequence: missense variant.
Genome position (GRCh38, 1-based): chr13:110,203,595, C>T on the plus strand (G>A on the coding strand, the complement: COL4A1 is on the minus strand). VCF-style: chr13-110203595-C-T. GRCh37 (hg19) VCF-style: chr13-110855942-C-T.
Other names: c.970G>A, p.Glu324Lys (NM_001303110.2); short protein forms E324K.
Identifiers: ClinVar variation 2190111 (VCV002190111.4), dbSNP rs2501574443, ClinGen allele CA388724561.